The following is an entry in ClinVar:

NM_003482.4(KMT2D):c.4818dup (p.Pro1607fs)

Gene: KMT2D (lysine methyltransferase 2D; minus strand). Cytogenetic location: 12q13.12.
Variant type: Duplication.
Coding change: c.4818dup on transcript NM_003482.4 (MANE Select); coding-DNA position 4818, one base duplicated (A; older notation c.4818dupA).
Protein change: p.Pro1607fs; shifts the reading frame from proline 1607.
Molecular consequence: frameshift variant.
Genome position (GRCh38, 1-based): chr12:49,044,889, T duplicated on the plus strand (A on the coding strand, the reverse complement: KMT2D is on the minus strand). VCF-style (leftmost placement, unchanged base first): chr12-49044888-G-GT. GRCh37 (hg19) VCF-style: chr12-49438671-G-GT.
Other names: short protein forms P1607fs.
Identifiers: ClinVar variation 3383974 (VCV003383974.2).

ClinVar aggregate classification (germline): Pathogenic (1 of 4 stars; one submission).

Conditions:
Kabuki syndrome 1 (KABUK1). Also called: KMT2D-Related Kabuki Syndrome. Identifiers: Orphanet 2322, MedGen CN030661, MONDO:0007843, OMIM 147920.

Submission:

Molecular Genetics Laboratory, Motol Hospital
Classification: Pathogenic for Kabuki syndrome 1. Last evaluated: 2024-12-06. Review status: criteria provided, single submitter. Criteria: ACMG Guidelines, 2015. Collection method: clinical testing. Allele origin: de novo. Affected: yes. Observed: 1 variant allele.
Comment: The variant was confirmed to be of a de novo origin. Rare loss-of-function truncating variants affecting the KMT2D gene are documented as a molecular cause of autosomal dominant "Kabuki syndrome-1" (KABUK1, OMIM:147920) (PMID:35060672;32803813;29283410;38206414). To conclude, the variant is classified as pathogenic (ACMG PVS1, PS2, PM2).

Literature cited by the submitters: PubMed 35060672; PubMed 32803813; PubMed 29283410; PubMed 38206414.